The following is an entry in ClinVar:

NM_177438.3(DICER1):c.3640A>G (p.Thr1214Ala)

Gene: DICER1 (dicer 1, ribonuclease III; minus strand). Cytogenetic location: 14q32.13.
Variant type: single nucleotide variant.
Coding change: c.3640A>G on transcript NM_177438.3 (MANE Select); coding-DNA position 3640, A replaced by G.
Protein change: p.Thr1214Ala; replaces threonine 1214 with alanine.
Molecular consequence: missense variant.
Genome position (GRCh38, 1-based): chr14:95,103,756, T>C on the plus strand (A>G on the coding strand, the complement: DICER1 is on the minus strand). VCF-style: chr14-95103756-T-C. GRCh37 (hg19) VCF-style: chr14-95570093-T-C.
Other names: c.3640A>G, p.Thr1214Ala (NM_001195573.1, NM_001271282.3, NM_001291628.2 and 1 more transcripts); short protein forms T1214A.
Identifiers: ClinVar variation 477153 (VCV000477153.20), dbSNP rs776023608, ClinGen allele CA7331014.
Genomic context (GRCh38, chr14:95,103,756, plus strand): 5'-CATCGCTGGGCTGGGGCTGGTTCTCGTAACTGTATAAATTCTGAATGGAATATGAGGTAG[T>C]TGGTTGCACGGGTATTTCCTGCTTGTAGTAATTTAGCTGATTTCCTTGGCAAAAGTCTCT-3'
Protein context (NP_803187.1, residues 1204-1224): YYKQEIPVQP[Thr1214Ala]TSYSIQNLYS

ClinVar aggregate classification (germline): Conflicting classifications of pathogenicity. Review status: criteria provided, conflicting classifications (1 of 4 stars). 6 submissions from 6 submitters: Uncertain significance (4); Likely benign (2). Last evaluated 2026-03-06.

Conditions:
DICER1-related tumor predisposition. Also called: DICER1 syndrome; DICER1-related pleuropulmonary blastoma cancer predisposition syndrome. Identifiers: Orphanet 284343, MedGen C3839822, MONDO:0100216.
Hereditary cancer-predisposing syndrome. Also called: Neoplastic Syndromes, Hereditary; Tumor predisposition; Hereditary neoplastic syndrome; Hereditary Cancer Syndrome. Identifiers: Orphanet 140162, MedGen C0027672, MeSH D009386, MONDO:0015356.

Allele frequency attached by ClinVar (database versions not stated): ExAC 0.00002; gnomAD exomes 0.00004; gnomAD 0.00002; TOPMed 0.00002.
gnomAD v4.1: 34 of 1,614,066 alleles (0.0021%); highest among the groups gnomAD compares: Admixed American, 0.013%; no homozygotes.

Submissions (6):

GeneDx
Classification: Uncertain significance. Last evaluated: 2026-03-06. Review status: criteria provided, single submitter. Criteria: GeneDx Variant Classification Process June 2021. Collection method: clinical testing. Allele origin: germline.
Comment: In silico analysis suggests that this missense variant does not alter protein structure/function; Has not been previously published as pathogenic or benign to our knowledge

Labcorp Genetics (formerly Invitae), Labcorp
Classification: Likely benign for DICER1-related tumor predisposition. Last evaluated: 2026-01-31. Review status: criteria provided, single submitter. Criteria: Invitae Variant Classification Sherloc (09022015). Collection method: clinical testing. Allele origin: germline.

Ambry Genetics
Classification: Uncertain significance for Hereditary cancer-predisposing syndrome. Last evaluated: 2025-05-31. Review status: criteria provided, single submitter. Criteria: Ambry Variant Classification Scheme 2023. Collection method: clinical testing. Allele origin: germline.
Comment: The p.T1214A variant (also known as c.3640A>G), located in coding exon 20 of the DICER1 gene, results from an A to G substitution at nucleotide position 3640. The threonine at codon 1214 is replaced by alanine, an amino acid with similar properties. This amino acid position is poorly conserved in available vertebrate species. In addition, this alteration is predicted to be tolerated by in silico analysis. Since supporting evidence is limited at this time, the clinical significance of this alteration remains unclear.

Laboratory of Genetics, Children's Clinical University Hospital Latvia
Classification: Likely benign. Last evaluated: 2025-02-16. Review status: criteria provided, single submitter. Criteria: ACMG Guidelines, 2015. Collection method: clinical testing. Allele origin: germline. Affected: yes.

Quest Diagnostics Nichols Institute San Juan Capistrano
Classification: Uncertain significance. Last evaluated: 2024-09-23. Review status: criteria provided, single submitter. Criteria: Quest Diagnostics criteria. Collection method: clinical testing. Allele origin: unknown.
Comment: The DICER1 c.3640A>G (p.Thr1214Ala) variant has not been reported in individuals with DICER1-related conditions in the published literature. The frequency of this variant in the general population, 0.00017 (6/35438 chromosomes (Genome Aggregation Database)), is uninformative in the assessment of its pathogenicity. Analysis of this variant using bioinformatics tools for the prediction of the effect of amino acid changes on protein structure and function yielded predictions that this variant is benign. Based on the available information, we are unable to determine the clinical significance of this variant.

Sema4
Classification: Uncertain significance for Hereditary cancer-predisposing syndrome. Last evaluated: 2021-11-29. Review status: criteria provided, single submitter. Criteria: Sema4 Curation Guidelines. Collection method: curation. Allele origin: germline.
Comment: The DICER1 c.3640A>G (p.T1214A) variant has not been reported in the literature to our knowledge. It was observed in 6/35438 chromosomes of the Latino subpopulation in the large and broad cohorts of the Genome Aggregation Database (PMID: 32461654). The variant has been reported in ClinVar (Variation ID 477153). In silico tools suggest the impact of the variant on protein function is benign, though these predictions have not been confirmed by functional studies. The evidence is insufficient to meet ACMG/AMP criteria for classifying the variant as benign or pathogenic. Thus, the clinical significance of this variant is currently uncertain.